The following is an entry in ClinVar:

ClinVar aggregate classification (germline): Uncertain significance. Review status: criteria provided, multiple submitters, no conflicts (2 of 4 stars). 2 submissions from 2 submitters: Uncertain significance (2). Last evaluated 2025-06-12.

Conditions:
Inborn genetic diseases. Identifiers: MedGen C0950123, MeSH D030342.

Allele frequency attached by ClinVar (database versions not stated): gnomAD 0.00003.

Submissions (2):

Ambry Genetics
Classification: Uncertain significance for Inborn genetic diseases. Last evaluated: 2025-06-12. Review status: criteria provided, single submitter. Criteria: Ambry Variant Classification Scheme 2023. Collection method: clinical testing. Allele origin: germline.

Labcorp Genetics (formerly Invitae), Labcorp
Classification: Uncertain significance. Last evaluated: 2025-01-05. Review status: criteria provided, single submitter. Criteria: Invitae Variant Classification Sherloc (09022015). Collection method: clinical testing. Allele origin: germline.
Comment: This sequence change replaces asparagine, which is neutral and polar, with serine, which is neutral and polar, at codon 317 of the TFRC protein (p.Asn317Ser). This variant is present in population databases (no rsID available, gnomAD 0.004%). This variant has not been reported in the literature in individuals affected with TFRC-related conditions. ClinVar contains an entry for this variant (Variation ID: 1425673). Invitae Evidence Modeling of protein sequence and biophysical properties (such as structural, functional, and spatial information, amino acid conservation, physicochemical variation, residue mobility, and thermodynamic stability) indicates that this missense variant is expected to disrupt TFRC protein function with a positive predictive value of 80%. In summary, the available evidence is currently insufficient to determine the role of this variant in disease. Therefore, it has been classified as a Variant of Uncertain Significance.

NM_001128148.3(TFRC):c.950A>G (p.Asn317Ser)

Gene: TFRC (transferrin receptor; minus strand). Cytogenetic location: 3q29.
Variant type: single nucleotide variant.
Coding change: c.950A>G on transcript NM_001128148.3 (MANE Select); coding-DNA position 950, A replaced by G.
Protein change: p.Asn317Ser; replaces asparagine 317 with serine.
Molecular consequence: missense variant.
Genome position (GRCh38, 1-based): chr3:196,067,608, T>C on the plus strand (A>G on the coding strand, the complement: TFRC is on the minus strand). VCF-style: chr3-196067608-T-C. GRCh37 (hg19) VCF-style: chr3-195794479-T-C.
Other names: c.707A>G, p.Asn236Ser (NM_001313965.2); c.104A>G, p.Asn35Ser (NM_001313966.2); c.950A>G, p.Asn317Ser (NM_003234.4); c.950A>G (NM_003234.2); short protein forms N35S, N236S, N317S.
Identifiers: ClinVar variation 1425673 (VCV001425673.9), dbSNP rs374173098, ClinGen allele CA90754061.
Genomic context (GRCh38, chr3:196,067,608, plus strand): 5'-ATTGTCTGGACAGGTATATTAGGCAATCCTGATGACCGAGATGGTGGAAACTGAGTGTGA[T>C]TGAAGGAAGGGAATCCAGGTGTGTAAGGGTCACCTGTCCCCAGATGAGCCTAGGAAAACA-3'
Protein context (NP_001121620.1, residues 307-327): DPYTPGFPSF[Asn317Ser]HTQFPPSRSS